The following is an entry in ClinVar:

NM_006269.2(RP1):c.4393T>C (p.Leu1465=)

Gene: RP1 (RP1 axonemal microtubule associated; plus strand). Cytogenetic location: 8q12.1.
Variant type: single nucleotide variant.
Coding change: c.4393T>C on transcript NM_006269.2 (MANE Select); coding-DNA position 4393, T replaced by C.
Protein change: p.Leu1465=; no amino-acid change (leucine 1465 retained).
Molecular consequence: synonymous variant. On other transcripts: intron variant (1).
Genome position (GRCh38, 1-based): chr8:54,628,275, T>C. VCF-style: chr8-54628275-T-C. GRCh37 (hg19) VCF-style: chr8-55540835-T-C.
Other names: c.787+5987T>C (NM_001375654.1).
Identifiers: ClinVar variation 912238 (VCV000912238.14), dbSNP rs769786870, ClinGen allele CA4751858.

ClinVar aggregate classification (germline): Conflicting classifications of pathogenicity. Review status: criteria provided, conflicting classifications (1 of 4 stars). 4 submissions from 4 submitters: Uncertain significance (1); Likely benign (3). Last evaluated 2025-01-11.

Conditions:
RP1-related disorder. Also called: RP1-related condition.
Retinitis pigmentosa (RP). Identifiers: Orphanet 791, MedGen C0035334, MeSH D012174, MONDO:0019200, OMIM 268000. Inheritance: Autosomal dominant, autosomal recessive and X linked inheritance.

Allele frequency attached by ClinVar (database versions not stated): gnomAD 0.00001 and 0.00003; TOPMed 0.00001; gnomAD exomes 0.00003 and 0.00008; ExAC 0.00009.
gnomAD v4.1: 52 of 1,613,892 alleles (0.0032%); highest among the groups gnomAD compares: South Asian, 0.041%; no homozygotes.

Submissions (4):

PreventionGenetics, part of Exact Sciences
Classification: Likely benign for RP1-related condition. Last evaluated: 2025-01-11. Review status: criteria provided, single submitter. Criteria: ACMG Guidelines, 2015. Collection method: clinical testing. Allele origin: germline.
Comment: This variant is classified as likely benign based on ACMG/AMP sequence variant interpretation guidelines (Richards et al. 2015 PMID: 25741868, with internal and published modifications).

Labcorp Genetics (formerly Invitae), Labcorp
Classification: Likely benign. Last evaluated: 2023-10-14. Review status: criteria provided, single submitter. Criteria: Invitae Variant Classification Sherloc (09022015). Collection method: clinical testing. Allele origin: germline.

Blueprint Genetics
Classification: Likely benign. Last evaluated: 2022-09-01. Review status: criteria provided, single submitter. Criteria: ACMG Guidelines, 2015. Collection method: clinical testing. Allele origin: germline.

Illumina Laboratory Services, Illumina
Classification: Uncertain significance for Retinitis pigmentosa. Last evaluated: 2018-01-13. Review status: criteria provided, single submitter. Criteria: ICSL Variant Classification Criteria 13 December 2019. Collection method: clinical testing. Allele origin: germline.